The following is an entry in ClinVar:

ClinVar aggregate classification (germline): Uncertain significance (1 of 4 stars; one submission).

Submission:

GeneDx
Classification: Uncertain significance. Last evaluated: 2025-09-23. Review status: criteria provided, single submitter. Criteria: GeneDx Variant Classification Process June 2021. Collection method: clinical testing. Allele origin: germline.
Comment: Not observed at significant frequency in large population cohorts (gnomAD); In silico analysis suggests that this missense variant does not alter protein structure/function; Has not been previously published as pathogenic or benign to our knowledge

NM_032590.5(KDM2B):c.1807A>G (p.Thr603Ala)

Gene: KDM2B (lysine demethylase 2B; minus strand). Cytogenetic location: 12q24.31.
Variant type: single nucleotide variant.
Coding change: c.1807A>G on transcript NM_032590.5 (MANE Select); coding-DNA position 1807, A replaced by G.
Protein change: p.Thr603Ala; replaces threonine 603 with alanine.
Molecular consequence: missense variant.
Genome position (GRCh38, 1-based): chr12:121,453,272, T>C on the plus strand (A>G on the coding strand, the complement: KDM2B is on the minus strand). VCF-style: chr12-121453272-T-C. GRCh37 (hg19) VCF-style: chr12-121891075-T-C.
Other names: c.1714A>G, p.Thr572Ala (NM_001005366.2); short protein forms T572A, T603A.
Identifiers: ClinVar variation 2500628 (VCV002500628.2), dbSNP rs2547647659, ClinGen allele CA386976371.
Genomic context (GRCh38, chr12:121,453,272, plus strand): 5'-CGGTCCGCAGGCAGGCCTCGCACTTGCGGCATCGCGTCCGGCGCCGCCGAGCTCCTGCCG[T>C]TGTCCGGTTGGCGGCCAACTTCACCGCGGAGGCCGGGCCCAGCTTCCCCTTGGGCCGACC-3'
Protein context (NP_115979.3, residues 593-613): SAVKLAANRT[Thr603Ala]AGARRRRTRC